The following is an entry in ClinVar:

NM_003482.4(KMT2D):c.10824A>G (p.Gln3608=)

Gene: KMT2D (lysine methyltransferase 2D; minus strand). Cytogenetic location: 12q13.12.
Variant type: single nucleotide variant.
Coding change: c.10824A>G on transcript NM_003482.4 (MANE Select); coding-DNA position 10824, A replaced by G.
Protein change: p.Gln3608=; no amino-acid change (glutamine 3608 retained).
Molecular consequence: synonymous variant.
Genome position (GRCh38, 1-based): chr12:49,033,881, T>C on the plus strand (A>G on the coding strand, the complement: KMT2D is on the minus strand). VCF-style: chr12-49033881-T-C. GRCh37 (hg19) VCF-style: chr12-49427664-T-C.
Identifiers: ClinVar variation 771953 (VCV000771953.18), dbSNP rs189571290, ClinGen allele CA6546425.

ClinVar aggregate classification (germline): Benign/Likely benign. Review status: criteria provided, multiple submitters, no conflicts (2 of 4 stars). 5 submissions from 5 submitters: Benign (1); Likely benign (3). 1 of the submissions does not count toward it. Last evaluated 2026-01-07.

Conditions:
Kabuki syndrome. Also called: NIIKAWA-KUROKI SYNDROME; Kabuki make-up syndrome. Identifiers: Orphanet 2322, MedGen C0796004, MONDO:0016512.
KMT2D-related disorder. Also called: KMT2D-Related Disorders.

Allele frequency attached by ClinVar (database versions not stated): gnomAD exomes 0.00002 and 0.00008; ExAC 0.00033; TOPMed 0.00041; gnomAD 0.00048 and 0.00052; 1000 Genomes Project 30x 0.00062; 1000 Genomes Project 0.00080.
gnomAD v4.1: 107 of 1,539,356 alleles (0.007%); highest among the groups gnomAD compares: African/African-American, 0.13%; no homozygotes.

Submissions (5):

Labcorp Genetics (formerly Invitae), Labcorp
Classification: Likely benign for Kabuki syndrome. Last evaluated: 2026-01-07. Review status: criteria provided, single submitter. Criteria: Invitae Variant Classification Sherloc (09022015). Collection method: clinical testing. Allele origin: germline.

GeneDx
Classification: Benign. Last evaluated: 2021-10-26. Review status: criteria provided, single submitter. Criteria: GeneDx Variant Classification Process June 2021. Collection method: clinical testing. Allele origin: germline. Affected: yes.

Genetic Services Laboratory, University of Chicago
Classification: Likely benign. Last evaluated: 2021-02-19. Review status: criteria provided, single submitter. Criteria: ACMG Guidelines, 2015. Collection method: clinical testing. Allele origin: germline. Affected: no.

Blueprint Genetics
Classification: Likely benign. Last evaluated: 2020-11-06. Review status: criteria provided, single submitter. Criteria: ACMG Guidelines, 2015. Collection method: clinical testing. Allele origin: germline.

PreventionGenetics, part of Exact Sciences
Classification: Likely benign for KMT2D-related condition. Last evaluated: 2023-05-16. Review status: no assertion criteria provided. Collection method: clinical testing. Allele origin: germline. Not counted in ClinVar's aggregate classification.
Comment: This variant is classified as likely benign based on ACMG/AMP sequence variant interpretation guidelines (Richards et al. 2015 PMID: 25741868, with internal and published modifications).